The following is an entry in ClinVar:

ClinVar aggregate classification (germline): Uncertain significance (1 of 4 stars; one submission).

Submission:

Labcorp Genetics (formerly Invitae), Labcorp
Classification: Uncertain significance. Last evaluated: 2023-10-05. Review status: criteria provided, single submitter. Criteria: Invitae Variant Classification Sherloc (09022015). Collection method: clinical testing. Allele origin: germline.
Comment: This sequence change replaces asparagine, which is neutral and polar, with aspartic acid, which is acidic and polar, at codon 251 of the POLE protein (p.Asn251Asp). This variant is not present in population databases (gnomAD no frequency). This variant has not been reported in the literature in individuals affected with POLE-related conditions. Advanced modeling of protein sequence and biophysical properties (such as structural, functional, and spatial information, amino acid conservation, physicochemical variation, residue mobility, and thermodynamic stability) performed at Invitae indicates that this missense variant is not expected to disrupt POLE protein function. In summary, the available evidence is currently insufficient to determine the role of this variant in disease. Therefore, it has been classified as a Variant of Uncertain Significance.

NM_006231.4(POLE):c.751A>G (p.Asn251Asp)

Gene: POLE (DNA polymerase epsilon, catalytic subunit; minus strand). Cytogenetic location: 12q24.33.
Variant type: single nucleotide variant.
Coding change: c.751A>G on transcript NM_006231.4 (MANE Select); coding-DNA position 751, A replaced by G.
Protein change: p.Asn251Asp; replaces asparagine 251 with aspartic acid.
Molecular consequence: missense variant.
Genome position (GRCh38, 1-based): chr12:132,677,413, T>C on the plus strand (A>G on the coding strand, the complement: POLE is on the minus strand). VCF-style: chr12-132677413-T-C. GRCh37 (hg19) VCF-style: chr12-133253999-T-C.
Other names: short protein forms N251D.
Identifiers: ClinVar variation 2765853 (VCV002765853.3), dbSNP rs1392954149, ClinGen allele CA387364498.